The following is an entry in ClinVar:

ClinVar aggregate classification (germline): Pathogenic. Review status: reviewed by expert panel (3 of 4 stars). 5 submissions from 5 submitters: Pathogenic (1). 4 of the submissions do not count toward it. Last evaluated 2017-03-17.

Conditions:
CFTR-related disorder (CFTR-RD). Also called: CFTR-related disorders; CFTR-related condition. Identifiers: MedGen C5924204, MONDO:7770004.
Cystic fibrosis (CF). Also called: MUCOVISCIDOSIS. Identifiers: Orphanet 586, MedGen C0010674, MONDO:0009061, OMIM 219700. Disease mechanism: loss of function.

Allele frequency attached by ClinVar (database versions not stated): gnomAD exomes below 0.00001.
gnomAD v4.1: 2 of 1,613,842 alleles (0.00012%); highest among the groups gnomAD compares: South Asian, 0.0011%; no homozygotes.

Submissions (5):

CFTR2
Classification: Pathogenic for Cystic fibrosis. Last evaluated: 2017-03-17. Review status: reviewed by expert panel. Criteria: Sosnay PR et al. (Nat Genet 2013). Collection method: research. Allele origin: germline. Affected: yes. Study: CFTR2.

Ambry Genetics
Classification: Pathogenic for Cystic fibrosis. Last evaluated: 2024-10-02. Review status: criteria provided, single submitter. Criteria: Ambry Variant Classification Scheme 2023. Collection method: clinical testing. Allele origin: germline. Not counted in ClinVar's aggregate classification.
Comment: The c.2658-1G>C intronic pathogenic mutation results from a G to C substitution one nucleotide before coding exon 17 of the CFTR gene. This variant (also referred to as c.2790-1G>C) has been identified in conjunction with other CFTR variants in individuals with features consistent with cystic fibrosis or CFTR-related disorders (Liu Y et al. Respirology, 2015 Feb;20:312-8; Sismanlar T et al. Eur J Pediatr, 2016 Sep;175:1157-1163). In addition, this variant has been reported in multiple individuals with an elevated sweat chloride level in The Clinical and Functional TRanslation of CFTR (CFTR2) database (available at CFTR2. Accessed 10/01/2024). This variant is considered to be rare based on population cohorts in the Genome Aggregation Database (gnomAD). This nucleotide position is well conserved in available vertebrate species. In silico splice site analysis predicts that this alteration will weaken the native splice acceptor site. Another alteration impacting the same acceptor site (c.2658-2A>G) has also been reported in association with cystic fibrosis (Marigo C et al. Mol Cell Probes, 1995 Apr;9:139-41). In addition to the clinical data presented in the literature, alterations that disrupt the canonical splice site are expected to cause aberrant splicing, resulting in an abnormal protein or a transcript that is subject to nonsense-mediated mRNA decay. As such, this alteration is classified as a disease-causing mutation.

Labcorp Genetics (formerly Invitae), Labcorp
Classification: Likely pathogenic for Cystic fibrosis. Last evaluated: 2023-12-19. Review status: criteria provided, single submitter. Criteria: Invitae Variant Classification Sherloc (09022015). Collection method: clinical testing. Allele origin: germline. Not counted in ClinVar's aggregate classification.
Comment: This sequence change affects an acceptor splice site in intron 16 of the CFTR gene. It is expected to disrupt RNA splicing. Variants that disrupt the donor or acceptor splice site typically lead to a loss of protein function (PMID: 16199547), and loss-of-function variants in CFTR are known to be pathogenic (PMID: 1695717, 7691345, 9725922). This variant is present in population databases (no rsID available, gnomAD 0.003%). Disruption of this splice site has been observed in individual(s) with cystic fibrosis (PMID: 25580864). This variant is also known as c.2790-1G>C. ClinVar contains an entry for this variant (Variation ID: 209045). Algorithms developed to predict the effect of sequence changes on RNA splicing suggest that this variant may disrupt the consensus splice site. In summary, the currently available evidence indicates that the variant is pathogenic, but additional data are needed to prove that conclusively. Therefore, this variant has been classified as Likely Pathogenic.

CFTR-France
Classification: Pathogenic for cystic fibrosis. Last evaluated: 2018-01-29. Review status: criteria provided, single submitter. Criteria: Claustres M et al. (Hum Mutat 2017). Collection method: curation. Allele origin: germline. Affected: yes. Not counted in ClinVar's aggregate classification.

Natera, Inc.
Classification: Pathogenic for CFTR-related disorders. Last evaluated: 2017-03-17. Review status: no assertion criteria provided. Collection method: clinical testing. Allele origin: germline. Not counted in ClinVar's aggregate classification.

Literature cited by the submitters: PubMed 25580864 (cited by Ambry Genetics and Labcorp Genetics (formerly Invitae), Labcorp); PubMed 27496146 (cited by Ambry Genetics); PubMed 16199547 (cited by Labcorp Genetics (formerly Invitae), Labcorp); PubMed 1695717 (cited by Labcorp Genetics (formerly Invitae), Labcorp); PubMed 7691345 (cited by Labcorp Genetics (formerly Invitae), Labcorp); PubMed 9725922 (cited by Labcorp Genetics (formerly Invitae), Labcorp).

NM_000492.4(CFTR):c.2658-1G>C

Gene: CFTR (CF transmembrane conductance regulator; plus strand). Cytogenetic location: 7q31.2.
Variant type: single nucleotide variant.
Coding change: c.2658-1G>C on transcript NM_000492.4 (MANE Select); the canonical splice acceptor site of the intron before coding-DNA position 2658, G replaced by C.
Molecular consequence: splice acceptor variant.
Genome position (GRCh38, 1-based): chr7:117,603,531, G>C. VCF-style: chr7-117603531-G-C. GRCh37 (hg19) VCF-style: chr7-117243585-G-C.
Other names: 2790-1G->C.
Identifiers: ClinVar variation 209045 (VCV000209045.10), dbSNP rs397508416, ClinGen allele CA276109.